The following is an entry in ClinVar:

ClinVar aggregate classification (germline): Benign/Likely benign. Review status: criteria provided, multiple submitters, no conflicts (2 of 4 stars). 8 submissions from 8 submitters: Benign (5); Likely benign (1). 2 of the submissions do not count toward it. Last evaluated 2026-01-31.

Conditions:
BCKDHA-related disorder. Also called: BCKDHA-related condition.
Maple syrup urine disease (MSUD). Identifiers: Orphanet 511, MedGen C0024776, MeSH D008375, MONDO:0009563. Disease mechanism: loss of function.
Maple syrup urine disease type 1A (MSUD1A). Also called: MSUD type 1A. Identifiers: MedGen C1855369, MONDO:0023691, OMIM 248600.

Allele frequency attached by ClinVar (database versions not stated): gnomAD exomes 0.00461; ExAC 0.00656; 1000 Genomes Project 0.01637; 1000 Genomes Project 30x 0.01655; gnomAD 0.01808 and 0.01970; TOPMed 0.02059; ESP Exome Variant Server 0.02084.

Submissions (8):

Labcorp Genetics (formerly Invitae), Labcorp
Classification: Benign for Maple syrup urine disease. Last evaluated: 2026-01-31. Review status: criteria provided, single submitter. Criteria: Invitae Variant Classification Sherloc (09022015). Collection method: clinical testing. Allele origin: germline.

ARUP Laboratories, Molecular Genetics and Genomics, ARUP Laboratories
Classification: Benign for Maple syrup urine disease type 1A. Last evaluated: 2023-09-22. Review status: criteria provided, single submitter. Criteria: ARUP Molecular Germline Variant Investigation Process 2024. Collection method: clinical testing. Allele origin: germline.

Illumina Laboratory Services, Illumina
Classification: Benign for Maple syrup urine disease type 1A. Last evaluated: 2018-01-13. Review status: criteria provided, single submitter. Criteria: ICSL Variant Classification Criteria 13 December 2019. Collection method: clinical testing. Allele origin: germline.
Comment: This variant was observed in the ICSL laboratory as part of a predisposition screen in an ostensibly healthy population. It had not been previously curated by ICSL or reported in the Human Gene Mutation Database (HGMD: prior to June 1st, 2018), and was therefore a candidate for classification through an automated scoring system. Utilizing variant allele frequency, disease prevalence and penetrance estimates, and inheritance mode, an automated score was calculated to assess if this variant is too frequent to cause the disease. Based on the score and internal cut-off values, a variant classified as benign is not then subjected to further curation. The score for this variant resulted in a classification of benign for this disease.

GeneDx
Classification: Benign. Last evaluated: 2014-09-04. Review status: criteria provided, single submitter. Criteria: GeneDx Variant Classification (06012015). Collection method: clinical testing. Allele origin: germline. Affected: yes.
Comment: This variant is considered likely benign or benign based on one or more of the following criteria: it is a conservative change, it occurs at a poorly conserved position in the protein, it is predicted to be benign by multiple in silico algorithms, and/or has population frequency not consistent with disease.

Eurofins Ntd Llc (ga)
Classification: Benign. Last evaluated: 2013-08-23. Review status: criteria provided, single submitter. Criteria: EGL Classification Definitions 2015. Collection method: clinical testing. Allele origin: germline. Observed: 3 variant alleles, 3 heterozygotes.

Breakthrough Genomics
Classification: Likely benign. Review status: criteria provided, single submitter. Criteria: ACMG Guidelines, 2015. Collection method: not provided. Allele origin: germline. Inheritance: Autosomal recessive inheritance. Affected: yes.

Natera, Inc.
Classification: Benign for Maple syrup urine disease type 1A. Last evaluated: 2020-09-16. Review status: no assertion criteria provided. Collection method: clinical testing. Allele origin: germline. Not counted in ClinVar's aggregate classification.

PreventionGenetics, part of Exact Sciences
Classification: Benign for BCKDHA-related condition. Last evaluated: 2020-05-16. Review status: no assertion criteria provided. Collection method: clinical testing. Allele origin: germline. Not counted in ClinVar's aggregate classification.
Comment: This variant is classified as benign based on ACMG/AMP sequence variant interpretation guidelines (Richards et al. 2015 PMID: 25741868, with internal and published modifications).

NM_000709.4(BCKDHA):c.639C>T (p.Ile213=)

Gene: BCKDHA (branched chain keto acid dehydrogenase E1 subunit alpha; plus strand). Cytogenetic location: 19q13.2.
Variant type: single nucleotide variant.
Coding change: c.639C>T on transcript NM_000709.4 (MANE Select); coding-DNA position 639, C replaced by T.
Protein change: p.Ile213=; no amino-acid change (isoleucine 213 retained).
Molecular consequence: synonymous variant.
Genome position (GRCh38, 1-based): chr19:41,419,289, C>T. VCF-style: chr19-41419289-C-T. GRCh37 (hg19) VCF-style: chr19-41925194-C-T.
Other names: p.I213I:ATC>ATT; c.639C>T, p.Ile213= (NM_001164783.2).
Identifiers: ClinVar variation 93366 (VCV000093366.31), dbSNP rs10404506, ClinGen allele CA285350.
Genomic context (GRCh38, chr19:41,419,289, plus strand): 5'-CCACTACGGCTGCAAGGAACGCCACTTCGTCACTATCTCCTCTCCACTGGCCACGCAGAT[C>T]CCTCAGGGTGAGGATGCATGCCCTGTACCTTGCACATGTGCAGACCAATGTCACACCCCT-3'
Protein context (NP_000700.1, residues 203-223): VTISSPLATQ[Ile213=]PQAVGAAYAA